The following is an entry in ClinVar:

ClinVar aggregate classification (germline): Likely benign (1 of 4 stars; one submission).

gnomAD v4.1: 2 of 1,613,244 alleles (0.00012%); highest among the groups gnomAD compares: African/African-American, 0.0027%; no homozygotes.

Submission:

Molecular Diagnostic Laboratory for Inherited Cardiovascular Disease, Montreal Heart Institute
Classification: Likely benign. Last evaluated: 2025-04-09. Review status: criteria provided, single submitter. Criteria: ACMG Guidelines, 2015. Collection method: clinical testing. Allele origin: germline. Affected: no.
Comment: BP6

NM_198060.4(NRAP):c.1305T>C (p.Val435=)

Gene: NRAP (nebulin related anchoring protein; minus strand). Cytogenetic location: 10q25.3.
Variant type: single nucleotide variant.
Coding change: c.1305T>C on transcript NM_198060.4 (MANE Select); coding-DNA position 1305, T replaced by C.
Protein change: p.Val435=; no amino-acid change (valine 435 retained).
Molecular consequence: synonymous variant.
Genome position (GRCh38, 1-based): chr10:113,641,383, A>G on the plus strand (T>C on the coding strand, the complement: NRAP is on the minus strand). VCF-style: chr10-113641383-A-G. GRCh37 (hg19) VCF-style: chr10-115401142-A-G.
Other names: c.1305T>C, p.Val435= (NM_001261463.2, NM_001322945.2); c.1200T>C, p.Val400= (NM_006175.5).
Identifiers: ClinVar variation 3895314 (VCV003895314.1), dbSNP rs371038249.
Genomic context (GRCh38, chr10:113,641,383, plus strand): 5'-GCCCCACTCCATCCCAACAGACCCTGGCATAAAAGGACTCACGTTGCTTGCCAGGCTGCC[A>G]ACTTTCATAGCATGCAGAGTGCGTCTGTCCATACCAACTCCTTCATAGCGGCCTCTCATG-3'
Protein context (NP_932326.2, residues 425-445): MDRRTLHAMK[Val435=]GSLASNVAYK